The following is an entry in ClinVar:

ClinVar aggregate classification (germline): Uncertain significance (1 of 4 stars; one submission).

Allele frequency attached by ClinVar (database versions not stated): gnomAD exomes below 0.00001; gnomAD 0.00001; TOPMed 0.00002.
gnomAD v4.1: 4 of 1,609,420 alleles (0.00025%); highest among the groups gnomAD compares: Admixed American, 0.005%; no homozygotes.

Submission:

Ambry Genetics
Classification: Uncertain significance. Last evaluated: 2023-06-12. Review status: criteria provided, single submitter. Criteria: Ambry Variant Classification Scheme 2023. Collection method: clinical testing. Allele origin: germline.
Comment: The p.V600E variant (also known as c.1799T>A), located in coding exon 12 of the CTNNA3 gene, results from a T to A substitution at nucleotide position 1799. The valine at codon 600 is replaced by glutamic acid, an amino acid with dissimilar properties. This amino acid position is conserved. In addition, this alteration is predicted to be tolerated by in silico analysis. Since supporting evidence is limited at this time, the clinical significance of this alteration remains unclear.

NM_013266.4(CTNNA3):c.1799T>A (p.Val600Glu)

Gene: CTNNA3 (catenin alpha 3; minus strand). Cytogenetic location: 10q21.3.
Variant type: single nucleotide variant.
Coding change: c.1799T>A on transcript NM_013266.4 (MANE Select); coding-DNA position 1799, T replaced by A.
Protein change: p.Val600Glu; replaces valine 600 with glutamic acid.
Molecular consequence: missense variant.
Genome position (GRCh38, 1-based): chr10:66,280,555, A>T on the plus strand (T>A on the coding strand, the complement: CTNNA3 is on the minus strand). VCF-style: chr10-66280555-A-T. GRCh37 (hg19) VCF-style: chr10-68040313-A-T.
Other names: c.1799T>A, p.Val600Glu (NM_001127384.3); short protein forms V600E.
Identifiers: ClinVar variation 2564950 (VCV002564950.2), dbSNP rs1294789171, ClinGen allele CA377091029.